The following is an entry in ClinVar:

NM_001698.3(AUH):c.898G>A (p.Asp300Asn)

Gene: AUH (AU RNA binding methylglutaconyl-CoA hydratase; minus strand). Cytogenetic location: 9q22.31.
Variant type: single nucleotide variant.
Coding change: c.898G>A on transcript NM_001698.3 (MANE Select); coding-DNA position 898, G replaced by A.
Protein change: p.Asp300Asn; replaces aspartic acid 300 with asparagine.
Molecular consequence: missense variant. On other transcripts: intron variant (1).
Genome position (GRCh38, 1-based): chr9:91,216,103, C>T on the plus strand (G>A on the coding strand, the complement: AUH is on the minus strand). VCF-style: chr9-91216103-C-T. GRCh37 (hg19) VCF-style: chr9-93978385-C-T.
Other names: c.811G>A, p.Asp271Asn (NM_001306190.2); c.571G>A, p.Asp191Asn (NM_001351431.2, NM_001351432.2); c.567+1174G>A (NM_001351433.2); short protein forms D191N, D300N, D271N.
Identifiers: ClinVar variation 966577 (VCV000966577.11), dbSNP rs746215620, ClinGen allele CA5119687.

ClinVar aggregate classification (germline): Uncertain significance. Review status: criteria provided, multiple submitters, no conflicts (2 of 4 stars). 2 submissions from 2 submitters: Uncertain significance (2). Last evaluated 2025-09-10.

Conditions:
Inborn genetic diseases. Identifiers: MedGen C0950123, MeSH D030342.
3-methylglutaconic aciduria type 1 (MGCA1). Identifiers: Orphanet 67046, MedGen C0342727, MONDO:0009610, OMIM 250950.

Allele frequency attached by ClinVar (database versions not stated): gnomAD 0.00001; TOPMed 0.00002; gnomAD exomes 0.00006 and 0.00002; ExAC 0.00004.
gnomAD v4.1: 37 of 1,612,516 alleles (0.0023%); highest among the groups gnomAD compares: East Asian, 0.036%; no homozygotes.

Submissions (2):

Ambry Genetics
Classification: Uncertain significance for Inborn genetic diseases. Last evaluated: 2025-09-10. Review status: criteria provided, single submitter. Criteria: Ambry Variant Classification Scheme 2023. Collection method: clinical testing. Allele origin: germline.

Labcorp Genetics (formerly Invitae), Labcorp
Classification: Uncertain significance for 3-methylglutaconic aciduria type 1. Last evaluated: 2024-10-23. Review status: criteria provided, single submitter. Criteria: Invitae Variant Classification Sherloc (09022015). Collection method: clinical testing. Allele origin: germline.
Comment: This sequence change replaces aspartic acid, which is acidic and polar, with asparagine, which is neutral and polar, at codon 300 of the AUH protein (p.Asp300Asn). This variant is present in population databases (rs746215620, gnomAD 0.06%). This variant has not been reported in the literature in individuals affected with AUH-related conditions. ClinVar contains an entry for this variant (Variation ID: 966577). Invitae Evidence Modeling of protein sequence and biophysical properties (such as structural, functional, and spatial information, amino acid conservation, physicochemical variation, residue mobility, and thermodynamic stability) indicates that this missense variant is not expected to disrupt AUH protein function with a negative predictive value of 80%. In summary, the available evidence is currently insufficient to determine the role of this variant in disease. Therefore, it has been classified as a Variant of Uncertain Significance.